The following is an entry in ClinVar:

NM_000238.4(KCNH2):c.2582A>G (p.Asn861Ser)

Gene: KCNH2 (potassium voltage-gated channel subfamily H member 2; minus strand). Cytogenetic location: 7q36.1.
Variant type: single nucleotide variant.
Coding change: c.2582A>G on transcript NM_000238.4 (MANE Select); coding-DNA position 2582, A replaced by G.
Protein change: p.Asn861Ser; replaces asparagine 861 with serine.
Molecular consequence: missense variant. On other transcripts: non-coding transcript variant (2).
Genome position (GRCh38, 1-based): chr7:150,948,866, T>C on the plus strand (A>G on the coding strand, the complement: KCNH2 is on the minus strand). VCF-style: chr7-150948866-T-C. GRCh37 (hg19) VCF-style: chr7-150645954-T-C.
Other names: p.N861S:AAC>AGC; c.2294A>G, p.Asn765Ser (NM_001406753.1); c.1562A>G, p.Asn521Ser (NM_172057.3); short protein forms N521S, N861S, N765S.
Identifiers: ClinVar variation 200471 (VCV000200471.4), dbSNP rs121912513, ClinGen allele CA006998.
Genomic context (GRCh38, chr7:150,948,866, plus strand): 5'-ACACAGCTGGAAGCAGGAGGATGGGGTCCAGCTCAGGGCAGCCAACTCACATCTCGCAGG[T>C]TGAAGGTGATCTCCAGGCTGGACCAGAAGTGGTCGGAGAACTCAGGGTACATGTCCAGCA-3'
Protein context (NP_000229.1, residues 851-871): HFWSSLEITF[Asn861Ser]LRDTNMIPGS

ClinVar aggregate classification (germline): Pathogenic (1 of 4 stars; one submission).

Allele frequency attached by ClinVar (database versions not stated): gnomAD 0.00001; TOPMed below 0.00001.
gnomAD v4.1: 1 of 1,613,996 alleles (0.000062%); highest among the groups gnomAD compares: Non-Finnish European, 0.000085%; no homozygotes.

Submission:

GeneDx
Classification: Pathogenic. Last evaluated: 2013-10-30. Review status: criteria provided, single submitter. Criteria: GeneDx Variant Classification (06012015). Collection method: clinical testing. Allele origin: germline. Affected: yes.
Comment: p.Asn861Ser (AAC>AGC): c.2582 A>G in exon 10 of the KCNH2 gene (NM_000238.2)While the Asn861Ser mutation in the KCNH2 gene has not been reported to our knowledge, other mutations affecting this same residue, Asn816Ile and Asn861His, has been reported in association with LQTS. Additionally, mutations in nearby residues (Ile858Thr, Asp864Gly) have been reported in association with LQTS, further supporting the functional importance of this residue and this region of the protein. Although Asn861Ser results in a conservative amino acid substitution of one polar residue for another, the Asn 861 residue is conserved across species. In silico analysis predicts Asn861Ser is probably damaging to the protein structure/function. Furthermore, Asn861Ser was not observed in approximately 6,500 individuals of European and African American ancestry in the NHLBI Exome Sequencing Project, indicating it is not a common benign variant in these populations.In summary, Asn861Ser in the KCNH2 gene is interpreted as a likely disease-causing mutation. The variant is found in LQT panel(s).